The following is an entry in ClinVar:

NM_004706.4(ARHGEF1):c.368-90A>G

Gene: ARHGEF1 (Rho guanine nucleotide exchange factor 1; plus strand). Cytogenetic location: 19q13.2.
Variant type: single nucleotide variant.
Coding change: c.368-90A>G on transcript NM_004706.4 (MANE Select); 90 bases into the intron before coding-DNA position 368, A replaced by G.
Molecular consequence: intron variant.
Genome position (GRCh38, 1-based): chr19:41,892,513, A>G. VCF-style: chr19-41892513-A-G. GRCh37 (hg19) VCF-style: chr19-42396584-A-G.
Other names: c.368-90A>G (NM_001396003.1, NM_001396000.1, NM_001396006.1); c.269-90A>G (NM_001396002.1, NM_198977.2, NM_001396004.1); c.413-90A>G (NM_199002.2).
Identifiers: ClinVar variation 2688332 (VCV002688332.2), dbSNP rs149447500, ClinGen allele CA308583099.

ClinVar aggregate classification (germline): Benign (1 of 4 stars; one submission).

Allele frequency attached by ClinVar (database versions not stated): gnomAD exomes 0.00504; gnomAD 0.01058; TOPMed 0.01630; 1000 Genomes Project 0.02436; 1000 Genomes Project 30x 0.02655.
gnomAD v4.1: 8,800 of 1,576,714 alleles (0.56%); highest among the groups gnomAD compares: Admixed American, 12%; 513 homozygotes.

Submission:

Unidad de Genómica Garrahan, Hospital de Pediatría Garrahan
Classification: Benign. Last evaluated: 2024-01-24. Review status: criteria provided, single submitter. Criteria: ACMG Guidelines, 2015. Collection method: clinical testing. Allele origin: germline. Affected: no. Observed: 20 variant alleles.
Comment: This variant is classified as Benign based on local population frequency. This variant was detected in 21% of patients studied by a panel of primary immunodeficiencies. Number of patients: 20. Only high quality variants are reported.